The following is an entry in ClinVar:

NM_001042492.3(NF1):c.3689T>C (p.Val1230Ala)

Gene: NF1 (neurofibromin 1; plus strand). Cytogenetic location: 17q11.2.
Variant type: single nucleotide variant.
Coding change: c.3689T>C on transcript NM_001042492.3 (MANE Select); coding-DNA position 3689, T replaced by C.
Protein change: p.Val1230Ala; replaces valine 1230 with alanine.
Molecular consequence: missense variant.
Genome position (GRCh38, 1-based): chr17:31,233,194, T>C. VCF-style: chr17-31233194-T-C. GRCh37 (hg19) VCF-style: chr17-29560212-T-C.
Other names: c.3689T>C, p.Val1230Ala (NM_000267.4); short protein forms V1230A.
Identifiers: ClinVar variation 142921 (VCV000142921.3), dbSNP rs587782820, ClinGen allele CA169771.

ClinVar aggregate classification (germline): Uncertain significance (1 of 4 stars; one submission).

Conditions:
Hereditary cancer-predisposing syndrome. Also called: Hereditary Cancer Syndrome; Neoplastic Syndromes, Hereditary; Hereditary neoplastic syndrome; Tumor predisposition. Identifiers: Orphanet 140162, MedGen C0027672, MeSH D009386, MONDO:0015356.

Submission:

Ambry Genetics
Classification: Uncertain significance for Hereditary cancer-predisposing syndrome. Last evaluated: 2014-04-05. Review status: criteria provided, single submitter. Criteria: Ambry Autosomal Dominant and X-Linked criteria (10/2015). Collection method: clinical testing. Allele origin: germline. Observed: 1 variant allele.
Comment: The p.V1230A variant (also known as c.3689T>C), located in coding exon 27 of the NF1 gene, results from a T to C substitution at nucleotide position 3689. The valine at codon 1230 is replaced by alanine, an amino acid with similar properties. This variant was not reported in population based cohorts in the following databases: Database of Single Nucleotide Polymorphisms (dbSNP), NHLBI Exome Sequencing Project (ESP), and 1000 Genomes Project. To date, this alteration has been detected with an allele frequency of approximately 0.02% (greater than 5000 alleles tested) in our clinical cohort (includes this individual). This amino acid position is highly conserved in available vertebrate species. In addition, this alteration is predicted to be possibly damaging and tolerated by PolyPhen and SIFT in silico analyses, respectively. Since supporting evidence is limited at this time, the clinical significance of p.V1230A remains unclear.